The following is an entry in ClinVar:

NM_020461.4(TUBGCP6):c.1495G>A (p.Val499Met)

Gene: TUBGCP6 (tubulin gamma complex component 6; minus strand). Cytogenetic location: 22q13.33.
Variant type: single nucleotide variant.
Coding change: c.1495G>A on transcript NM_020461.4 (MANE Select); coding-DNA position 1495, G replaced by A.
Protein change: p.Val499Met; replaces valine 499 with methionine.
Molecular consequence: missense variant.
Genome position (GRCh38, 1-based): chr22:50,226,839, C>T on the plus strand (G>A on the coding strand, the complement: TUBGCP6 is on the minus strand). VCF-style: chr22-50226839-C-T. GRCh37 (hg19) VCF-style: chr22-50665268-C-T.
Other names: short protein forms V499M.
Identifiers: ClinVar variation 1011624 (VCV001011624.8), dbSNP rs867932672, ClinGen allele CA412107085.

ClinVar aggregate classification (germline): Uncertain significance (1 of 4 stars; one submission).

Allele frequency attached by ClinVar (database versions not stated): gnomAD 0.00001 and 0.00002; gnomAD exomes 0.00001; TOPMed 0.00002.
gnomAD v4.1: 14 of 1,576,170 alleles (0.00089%); highest among the groups gnomAD compares: Middle Eastern, 0.017%; no homozygotes.

Submission:

Labcorp Genetics (formerly Invitae), Labcorp
Classification: Uncertain significance. Last evaluated: 2024-12-02. Review status: criteria provided, single submitter. Criteria: Invitae Variant Classification Sherloc (09022015). Collection method: clinical testing. Allele origin: germline.
Comment: This sequence change replaces valine, which is neutral and non-polar, with methionine, which is neutral and non-polar, at codon 499 of the TUBGCP6 protein (p.Val499Met). The frequency data for this variant in the population databases is considered unreliable, as metrics indicate poor data quality at this position in the gnomAD database. This variant has not been reported in the literature in individuals affected with TUBGCP6-related conditions. ClinVar contains an entry for this variant (Variation ID: 1011624). An algorithm developed to predict the effect of missense changes on protein structure and function (PolyPhen-2) suggests that this variant is likely to be disruptive. In summary, the available evidence is currently insufficient to determine the role of this variant in disease. Therefore, it has been classified as a Variant of Uncertain Significance.